The following is an entry in ClinVar:

ClinVar aggregate classification (germline): Uncertain significance (1 of 4 stars; one submission).

gnomAD v4.1: 2 of 1,614,222 alleles (0.00012%); no homozygotes.

Submission:

Labcorp Genetics (formerly Invitae), Labcorp
Classification: Uncertain significance. Last evaluated: 2022-06-14. Review status: criteria provided, single submitter. Criteria: Invitae Variant Classification Sherloc (09022015). Collection method: clinical testing. Allele origin: germline.
Comment: This sequence change replaces serine, which is neutral and polar, with phenylalanine, which is neutral and non-polar, at codon 1091 of the DUOX2 protein (p.Ser1091Phe). This variant is not present in population databases (gnomAD no frequency). This variant has not been reported in the literature in individuals affected with DUOX2-related conditions. Advanced modeling of protein sequence and biophysical properties (such as structural, functional, and spatial information, amino acid conservation, physicochemical variation, residue mobility, and thermodynamic stability) performed at Invitae indicates that this missense variant is expected to disrupt DUOX2 protein function. In summary, the available evidence is currently insufficient to determine the role of this variant in disease. Therefore, it has been classified as a Variant of Uncertain Significance.

NM_001363711.2(DUOX2):c.3272C>T (p.Ser1091Phe)

Gene: DUOX2 (dual oxidase 2; minus strand). Cytogenetic location: 15q21.1.
Variant type: single nucleotide variant.
Coding change: c.3272C>T on transcript NM_001363711.2 (MANE Select); coding-DNA position 3272, C replaced by T.
Protein change: p.Ser1091Phe; replaces serine 1091 with phenylalanine.
Molecular consequence: missense variant.
Genome position (GRCh38, 1-based): chr15:45,099,805, G>A on the plus strand (C>T on the coding strand, the complement: DUOX2 is on the minus strand). VCF-style: chr15-45099805-G-A. GRCh37 (hg19) VCF-style: chr15-45392003-G-A.
Other names: c.3272C>T, p.Ser1091Phe (NM_014080.5); short protein forms S1091F.
Identifiers: ClinVar variation 2006496 (VCV002006496.1), dbSNP rs1595521326, ClinGen allele CA392262167.